The following is an entry in ClinVar:

ClinVar aggregate classification (germline): Likely benign (1 of 4 stars; one submission).

Submission:

CeGaT Center for Human Genetics Tuebingen
Classification: Likely benign. Last evaluated: 2026-08-01. Review status: criteria provided, single submitter. Criteria: CeGaT Center For Human Genetics Tuebingen Variant Classification Criteria Version 2. Collection method: clinical testing. Allele origin: germline. Affected: yes. Observed: 1 variant allele.
Comment: ATAD3A: BP4, BP7

NM_001170535.3(ATAD3A):c.1632C>T (p.Ser544=)

Gene: ATAD3A (ATPase family AAA domain containing 3A; plus strand). Cytogenetic location: 1p36.33.
Variant type: single nucleotide variant.
Coding change: c.1632C>T on transcript NM_001170535.3 (MANE Select); coding-DNA position 1632, C replaced by T.
Protein change: p.Ser544=; no amino-acid change (serine 544 retained).
Molecular consequence: synonymous variant.
Genome position (GRCh38, 1-based): chr1:1,533,943, C>T. VCF-style: chr1-1533943-C-T. GRCh37 (hg19) VCF-style: chr1-1469323-C-T.
Other names: c.1395C>T, p.Ser465= (NM_001170536.3); c.1776C>T, p.Ser592= (NM_018188.5).
Identifiers: ClinVar variation 5039063 (VCV005039063.1).
Genomic context (GRCh38, chr1:1,533,943, plus strand): 5'-GGTTCCCATGGCGGCCTCCCTCAGCTGCCTCTCTCCCCACTAGGCCACGGCGTATGCCTC[C>T]GAGGACGGGGTCCTGACCGAGGCCATGATGGACACCCGCGTGCAAGATGCTGTCCAGCAG-3'
Protein context (NP_001164006.1, residues 534-554): AVSWQATAYA[Ser544=]EDGVLTEAMM